The following is an entry in ClinVar:

ClinVar aggregate classification (germline): Uncertain significance (1 of 4 stars; one submission).

Submission:

Labcorp Genetics (formerly Invitae), Labcorp
Classification: Uncertain significance. Last evaluated: 2025-07-06. Review status: criteria provided, single submitter. Criteria: Invitae Variant Classification Sherloc (09022015). Collection method: clinical testing. Allele origin: germline.
Comment: This sequence change replaces methionine, which is neutral and non-polar, with leucine, which is neutral and non-polar, at codon 527 of the LEMD3 protein (p.Met527Leu). This variant is not present in population databases (gnomAD no frequency). This variant has not been reported in the literature in individuals affected with LEMD3-related conditions. Invitae Evidence Modeling of protein sequence and biophysical properties (such as structural, functional, and spatial information, amino acid conservation, physicochemical variation, residue mobility, and thermodynamic stability) indicates that this missense variant is not expected to disrupt LEMD3 protein function with a negative predictive value of 80%. In summary, the available evidence is currently insufficient to determine the role of this variant in disease. Therefore, it has been classified as a Variant of Uncertain Significance.

NM_014319.5(LEMD3):c.1579A>C (p.Met527Leu)

Gene: LEMD3 (LEM domain containing 3; plus strand). Cytogenetic location: 12q14.3.
Variant type: single nucleotide variant.
Coding change: c.1579A>C on transcript NM_014319.5 (MANE Select); coding-DNA position 1579, A replaced by C.
Protein change: p.Met527Leu; replaces methionine 527 with leucine.
Molecular consequence: missense variant.
Genome position (GRCh38, 1-based): chr12:65,215,995, A>C. VCF-style: chr12-65215995-A-C. GRCh37 (hg19) VCF-style: chr12-65609775-A-C.
Other names: c.1576A>C, p.Met526Leu (NM_001167614.2); short protein forms M527L, M526L.
Identifiers: ClinVar variation 4740585 (VCV004740585.1).